The following is an entry in ClinVar:

ClinVar aggregate classification (germline): Uncertain significance. Review status: criteria provided, multiple submitters, no conflicts (2 of 4 stars). 3 submissions from 3 submitters: Uncertain significance (3). Last evaluated 2023-11-27.

Conditions:
Age related macular degeneration 1 (ARMD1). Also called: MACULOPATHY, AGE-RELATED, 1. Identifiers: MedGen C1864205, MONDO:0011285, OMIM 603075.

Allele frequency attached by ClinVar (database versions not stated): ExAC 0.00002.
gnomAD v4.1: 5 of 1,613,560 alleles (0.00031%); highest among the groups gnomAD compares: Non-Finnish European, 0.00042%; no homozygotes.

Submissions (3):

Labcorp Genetics (formerly Invitae), Labcorp
Classification: Uncertain significance. Last evaluated: 2023-11-27. Review status: criteria provided, single submitter. Criteria: Invitae Variant Classification Sherloc (09022015). Collection method: clinical testing. Allele origin: germline.
Comment: This sequence change replaces asparagine, which is neutral and polar, with lysine, which is basic and polar, at codon 2619 of the HMCN1 protein (p.Asn2619Lys). This variant is present in population databases (rs755340964, gnomAD 0.004%). This variant has not been reported in the literature in individuals affected with HMCN1-related conditions. ClinVar contains an entry for this variant (Variation ID: 1973238). An algorithm developed to predict the effect of missense changes on protein structure and function (PolyPhen-2) suggests that this variant is likely to be disruptive. In summary, the available evidence is currently insufficient to determine the role of this variant in disease. Therefore, it has been classified as a Variant of Uncertain Significance.

Genome-Nilou Lab
Classification: Uncertain significance for Age related macular degeneration 1. Last evaluated: 2023-04-11. Review status: criteria provided, single submitter. Criteria: ACMG Guidelines, 2015. Collection method: clinical testing. Allele origin: germline. Affected: no.

Ambry Genetics
Classification: Uncertain significance. Last evaluated: 2023-03-21. Review status: criteria provided, single submitter. Criteria: Ambry Variant Classification Scheme 2023. Collection method: clinical testing. Allele origin: germline.

NM_031935.3(HMCN1):c.7857C>A (p.Asn2619Lys)

Gene: HMCN1 (hemicentin 1; plus strand). Cytogenetic location: 1q31.1.
Variant type: single nucleotide variant.
Coding change: c.7857C>A on transcript NM_031935.3 (MANE Select); coding-DNA position 7857, C replaced by A.
Protein change: p.Asn2619Lys; replaces asparagine 2619 with lysine.
Molecular consequence: missense variant.
Genome position (GRCh38, 1-based): chr1:186,067,985, C>A. VCF-style: chr1-186067985-C-A. GRCh37 (hg19) VCF-style: chr1-186037117-C-A.
Other names: c.7857C>A (NM_031935.2); short protein forms N2619K.
Identifiers: ClinVar variation 1973238 (VCV001973238.8), dbSNP rs755340964, ClinGen allele CA1292948.